The following is an entry in ClinVar:

NM_000094.4(COL7A1):c.1732C>T (p.Arg578Ter)

Gene: COL7A1 (collagen type VII alpha 1 chain; minus strand). Cytogenetic location: 3p21.31.
Variant type: single nucleotide variant.
Coding change: c.1732C>T on transcript NM_000094.4 (MANE Select); coding-DNA position 1732, C replaced by T.
Protein change: p.Arg578Ter; replaces arginine 578 with a stop codon.
Molecular consequence: nonsense.
Genome position (GRCh38, 1-based): chr3:48,590,721, G>A on the plus strand (C>T on the coding strand, the complement: COL7A1 is on the minus strand). VCF-style: chr3-48590721-G-A. GRCh37 (hg19) VCF-style: chr3-48628154-G-A.
Other names: short protein forms R578*.
Identifiers: ClinVar variation 372330 (VCV000372330.29), dbSNP rs144023803, ClinGen allele CA2381135.

ClinVar aggregate classification (germline): Pathogenic. Review status: criteria provided, multiple submitters, no conflicts (2 of 4 stars). 12 submissions from 11 submitters: Pathogenic (10). 2 of the submissions do not count toward it. Last evaluated 2025-08-20.

Conditions:
COL7A1-related disorder. Also called: COL7A1-related condition; COL7A1- related disorders.
Epidermolysis bullosa dystrophica. Also called: Dystrophic epidermolysis bullosa, Hallopeau-Siemens type (formerly); Dystrophic epidermolysis bullosa. Identifiers: Orphanet 303, MedGen C0079294, MONDO:0006543.
Dominant dystrophic epidermolysis bullosa with absence of skin. Also called: EPIDERMOLYSIS BULLOSA DYSTROPHICA, BART TYPE; EPIDERMOLYSIS BULLOSA WITH CONGENITAL LOCALIZED ABSENCE OF SKIN AND DEFORMITY OF NAILS. Identifiers: MedGen C0268371, MONDO:0007557, OMIM 132000.
Transient bullous dermolysis of the newborn (TBDN). Also called: DYSTROPHIC EPIDERMOLYSIS BULLOSA, NEONATAL; EPIDERMOLYSIS BULLOSA DYSTROPHICA, NEONATAL FORM. Identifiers: Orphanet 79411, MedGen C1851573, MONDO:0007548, OMIM 131705.
Pretibial dystrophic epidermolysis bullosa. Also called: Pretibial blistering; Pretibial epidermolysis bullosa; EPIDERMOLYSIS BULLOSA DYSTROPHICA, PRETIBIAL. Identifiers: Orphanet 79410, MedGen C0432321, MONDO:0007552, OMIM 131850, HP:0012221.
Recessive dystrophic epidermolysis bullosa (RDEB). Also called: DYSTROPHIC EPIDERMOLYSIS BULLOSA, AUTOSOMAL RECESSIVE; EPIDERMOLYSIS BULLOSA DYSTROPHICA, HALLOPEAU-SIEMENS TYPE; Hallopeau-Siemens Disease; EPIDERMOLYSIS BULLOSA DYSTROPHICA, GENERALIZED SEVERE, AUTOSOMAL RECESSIVE; epidermolysis bullosa dystrophica, autosomal recessive; severe generalized recessive dystrophic epidermolysis bullosa. Identifiers: Orphanet 79408, Orphanet 79409, MedGen C0079474, MONDO:0009179, OMIM 226600.
Epidermolysis bullosa pruriginosa. Also called: DEB, PRURIGINOSA; DYSTROPHIC EPIDERMOLYSIS BULLOSA PRURIGINOSA. Identifiers: Orphanet 89843, MedGen C1275114, MONDO:0011398, OMIM 604129.
Nonsyndromic congenital nail disorder 8. Also called: TOENAIL DYSTROPHY, ISOLATED. Identifiers: MedGen C1843761, MONDO:0011852, OMIM 607523.
Generalized dominant dystrophic epidermolysis bullosa (DDEB). Also called: DDEB, generalized; DDEB-gen; DYSTROPHIC EPIDERMOLYSIS BULLOSA, AUTOSOMAL DOMINANT; Epidermolysis bullosa dystrophica, autosomal dominant; Dominant DEB (DDEB). Identifiers: Orphanet 231568, MedGen C0432322, MONDO:0007549, OMIM 131750.

Allele frequency attached by ClinVar (database versions not stated): gnomAD 0.00002; gnomAD exomes 0.00004 and 0.00013; TOPMed 0.00004; ExAC 0.00005; ESP Exome Variant Server 0.00015.
gnomAD v4.1: 188 of 1,613,898 alleles (0.012%); highest among the groups gnomAD compares: Non-Finnish European, 0.015%; no homozygotes.

Submissions 1 to 8 of 12:

Labcorp Genetics (formerly Invitae), Labcorp
Classification: Pathogenic. Last evaluated: 2025-08-20. Review status: criteria provided, single submitter. Criteria: Invitae Variant Classification Sherloc (09022015). Collection method: clinical testing. Allele origin: germline.
Comment: This sequence change creates a premature translational stop signal (p.Arg578*) in the COL7A1 gene. It is expected to result in an absent or disrupted protein product. Loss-of-function variants in COL7A1 are known to be pathogenic (PMID: 16971478). This variant is present in population databases (rs144023803, gnomAD 0.009%). This premature translational stop signal has been observed in individual(s) with autosomal recessive dystrophic epidermolysis bullosa (PMID: 17425959, 26102279). It has also been observed to segregate with disease in related individuals. ClinVar contains an entry for this variant (Variation ID: 372330). Algorithms developed to predict the effect of sequence changes on RNA splicing suggest that this variant may disrupt the consensus splice site. For these reasons, this variant has been classified as Pathogenic.

Natera, Inc.
Classification: Pathogenic for Dystrophic epidermolysis bullosa. Last evaluated: 2025-07-21. Review status: criteria provided, single submitter. Criteria: Natera Variant Classification Schema (03/2026). Collection method: clinical testing. Allele origin: germline.
Comment: The c.1732C>T variant in COL7A1 is a nonsense variant predicted to introduce a stop codon at amino acid 578. This variant is expected to result in nonsense mediated decay, truncation, or a dysfunctional protein product. This variant is rare in the general population with a frequency below the threshold expected for the associated phenotype(s). This variant has been observed in one or more individuals affected with the associated recessive disease, as either homozygous or compound heterozygous with a second variant (PMID: 10504458, 16484981). Given the available evidence, this variant is classified as Pathogenic.

Myriad Genetics, Inc.
Classification: Pathogenic for Recessive dystrophic epidermolysis bullosa. Last evaluated: 2025-01-31. Review status: criteria provided, single submitter. Criteria: Myriad Autosomal Dominant, Autosomal Recessive and X-Linked Classification Criteria (2023). Collection method: clinical testing. Allele origin: unknown.
Comment: NM_000094.3(COL7A1):c.1732C>T(R578*) is a nonsense variant classified as pathogenic in the context of dystrophic epidermolysis bullosa. R578* has been observed in cases with relevant disease (PMID: 16484981). Relevant functional assessments of this variant are not available in the literature. R578* has been observed in referenced population frequency databases. In summary, NM_000094.3(COL7A1):c.1732C>T(R578*) is a nonsense variant that has been observed more frequently in cases with the relevant disease than in healthy populations. Please note: this variant was assessed in the context of healthy population screening.

Fulgent Genetics
Classification: Pathogenic for Transient bullous dermolysis of the newborn; Generalized dominant dystrophic epidermolysis bullosa; Pretibial dystrophic epidermolysis bullosa; Dominant dystrophic epidermolysis bullosa with absence of skin; Recessive dystrophic epidermolysis bullosa; Epidermolysis bullosa pruriginosa; Nonsyndromic congenital nail disorder 8. Last evaluated: 2024-03-06. Review status: criteria provided, single submitter. Criteria: ACMG Guidelines, 2015. Collection method: clinical testing. Allele origin: germline.

Neuberg Centre For Genomic Medicine, NCGM
Classification: Pathogenic for Epidermolysis bullosa pruriginosa. Last evaluated: 2023-07-22. Review status: criteria provided, single submitter. Criteria: ACMG Guidelines, 2015. Collection method: clinical testing. Allele origin: germline. Inheritance: Autosomal recessive inheritance. Affected: yes.
Comment: The observed stop gained variant c.1732C>Tp.Arg578Ter in the COL7A1 gene has been reported previously in homozygous and compound heterozygous state in individuals affected with autosomal recessive dystrophic epidermolysis bullosa Serafi R, et al., 2015; Georgiadis C, et al., 2016. This variant is reported with the allele frequency 0.004% in the gnomAD Exomes. It is submitted to ClinVar as Pathogenic by multiple submitters. Computational evidence MutationTaster - Disease causing predicts damaging effect on protein structure and function for this variant. This variant is predicted to cause loss of normal protein function either through protein truncation or nonsense-mediated mRNA decay. Loss of function variants have been previously reported to be disease causing. For these reasons, this variant has been classified as Pathogenic.

Centre of Medical Genetics, University Hospital Muenster
Classification: Pathogenic. Last evaluated: 2021-12-08. Review status: criteria provided, single submitter. Criteria: ACMG Guidelines, 2015. Collection method: clinical testing. Allele origin: unknown. Affected: yes. Observed: 1 variant allele, 1 heterozygote.
Comment: ACMG categories: PVS1,PM2,PP3,PP5

GeneDx
Classification: Pathogenic. Last evaluated: 2021-10-25. Review status: criteria provided, single submitter. Criteria: GeneDx Variant Classification Process June 2021. Collection method: clinical testing. Allele origin: germline. Affected: yes.
Comment: Nonsense variant predicted to result in protein truncation or nonsense mediated decay in a gene for which loss-of-function is a known mechanism of disease; This variant is associated with the following publications: (PMID: 21448560, 28549954, 25525159, 26102279, 7833933, 10504458, 14727126, 28168442, 20357813, 28691931, 29625052, 26689913, 33274474)

Illumina Laboratory Services, Illumina
Classification: Pathogenic for Dystrophic epidermolysis bullosa. Last evaluated: 2018-08-22. Review status: criteria provided, single submitter. Criteria: ICSL Variant Classification Criteria 09 May 2019. Collection method: clinical testing. Allele origin: germline.
Comment: The COL7A1 c.1732C>T (p.Arg578Ter) variant is a stop-gained variant that is predicted to result in a premature termination of the protein. Across a selection of the available literature, The p.Arg578Ter variant has been found in at least 21 individuals with dystrophic epidermolysis bullosa, including in four in a homozygous state, in at least 15 in a compound heterozygous state, and in at least two in a heterozygous state (Dunnill et al. 1994; Hovnanian et al. 1997; Mellerio et al. 1997; Whittock et al. 1999; Almaani et al. 2010; Nagy et al. 2011; Petrof et al. 2013; Takeichi et al. 2015; Serafi et al. 2015; Georgiadis et al. 2016). Three of the studies demonstrated that the p.Arg578Ter variant segregated with disease (Dunnill et al. 1994; Mellerio et al. 1997; Serafi et al. 2015). The p.Arg578Ter variant was absent from 180 control chromosomes and is reported at a frequency of 0.000089 in the Latino population of the Genome Aggregation Database. The p.Arg578Ter variant is predicted to result in premature termination and the loss of approximately 80% of the protein. Due to the potential impact of stop-gained variants and available evidence, the p.Arg578Ter variant is classified as pathogenic for dystrophic epidermolysis bullosa. This variant was observed by ICSL as part of a predisposition screen in an ostensibly healthy population.